The following is an entry in ClinVar:

ClinVar aggregate classification (germline): Uncertain significance (1 of 4 stars; one submission).

Submission:

Labcorp Genetics (formerly Invitae), Labcorp
Classification: Uncertain significance. Last evaluated: 2022-07-27. Review status: criteria provided, single submitter. Criteria: Invitae Variant Classification Sherloc (09022015). Collection method: clinical testing. Allele origin: germline.
Comment: In summary, the available evidence is currently insufficient to determine the role of this variant in disease. Therefore, it has been classified as a Variant of Uncertain Significance. Algorithms developed to predict the effect of missense changes on protein structure and function (SIFT, PolyPhen-2, Align-GVGD) all suggest that this variant is likely to be tolerated. This variant has not been reported in the literature in individuals affected with PDE6C-related conditions. This variant is not present in population databases (gnomAD no frequency). This sequence change replaces valine, which is neutral and non-polar, with alanine, which is neutral and non-polar, at codon 220 of the PDE6C protein (p.Val220Ala).

NM_006204.4(PDE6C):c.659T>C (p.Val220Ala)

Gene: PDE6C (phosphodiesterase 6C; plus strand). Cytogenetic location: 10q23.33.
Variant type: single nucleotide variant.
Coding change: c.659T>C on transcript NM_006204.4 (MANE Select); coding-DNA position 659, T replaced by C.
Protein change: p.Val220Ala; replaces valine 220 with alanine.
Molecular consequence: missense variant.
Genome position (GRCh38, 1-based): chr10:93,620,916, T>C. VCF-style: chr10-93620916-T-C. GRCh37 (hg19) VCF-style: chr10-95380673-T-C.
Other names: short protein forms V220A.
Identifiers: ClinVar variation 1714008 (VCV001714008.5), dbSNP rs2058442665, ClinGen allele CA377627196.
Genomic context (GRCh38, chr10:93,620,916, plus strand): 5'-CACAACCATAACTTGTTATTCTCTGCCGTCTGTAGGTCTTTTCCAAATACCTCAACTTTG[T>C]GTCTATCATCCTAAGGCTTCATCACACCAGCTACATGTACAATATTGAATCCCGAAGAAG-3'
Protein context (NP_006195.3, residues 210-230): EEVFSKYLNF[Val220Ala]SIILRLHHTS